The following is an entry in ClinVar:

NM_001127464.1:c.3193G>A

Gene: ZNF469 (zinc finger protein 469; plus strand).
Variant type: single nucleotide variant.
Identifiers: ClinVar variation 4082735 (VCV004082735.1).

ClinVar aggregate classification (germline): Uncertain significance (1 of 4 stars; one submission).

Submission:

GeneDx
Classification: Uncertain significance. Last evaluated: 2025-03-05. Review status: criteria provided, single submitter. Criteria: GeneDx Variant Classification Process June 2021. Collection method: clinical testing. Allele origin: germline. Affected: yes.
Comment: Not observed at significant frequency in large population cohorts (gnomAD); In silico analysis indicates that this missense variant does not alter protein structure/function; Has not been previously published as pathogenic or benign to our knowledge